The following is an entry in ClinVar:

ClinVar aggregate classification (germline): Uncertain significance. Review status: criteria provided, multiple submitters, no conflicts (2 of 4 stars). 2 submissions from 2 submitters: Uncertain significance (2). Last evaluated 2023-08-30.

Conditions:
Inborn genetic diseases. Identifiers: MedGen C0950123, MeSH D030342.

Allele frequency attached by ClinVar (database versions not stated): gnomAD exomes 0.00001; TOPMed 0.00001; ExAC 0.00002; gnomAD 0.00002.
gnomAD v4.1: 15 of 1,613,574 alleles (0.00093%); highest among the groups gnomAD compares: Non-Finnish European, 0.0013%; no homozygotes.

Submissions (2):

Labcorp Genetics (formerly Invitae), Labcorp
Classification: Uncertain significance. Last evaluated: 2023-08-30. Review status: criteria provided, single submitter. Criteria: Invitae Variant Classification Sherloc (09022015). Collection method: clinical testing. Allele origin: germline.
Comment: This sequence change replaces leucine, which is neutral and non-polar, with proline, which is neutral and non-polar, at codon 230 of the PCLO protein (p.Leu230Pro). This variant is present in population databases (rs760923494, gnomAD 0.004%). This variant has not been reported in the literature in individuals affected with PCLO-related conditions. ClinVar contains an entry for this variant (Variation ID: 1905319). Algorithms developed to predict the effect of missense changes on protein structure and function output the following: SIFT: "Not Available"; PolyPhen-2: "Not Available"; Align-GVGD: "Not Available". The proline amino acid residue is found in multiple mammalian species, which suggests that this missense change does not adversely affect protein function. In summary, the available evidence is currently insufficient to determine the role of this variant in disease. Therefore, it has been classified as a Variant of Uncertain Significance.

Ambry Genetics
Classification: Uncertain significance for Inborn genetic diseases. Last evaluated: 2022-07-19. Review status: criteria provided, single submitter. Criteria: Ambry Variant Classification Scheme 2023. Collection method: clinical testing. Allele origin: germline.

NM_033026.6(PCLO):c.689T>C (p.Leu230Pro)

Gene: PCLO (piccolo presynaptic cytomatrix protein; minus strand). Cytogenetic location: 7q21.11.
Variant type: single nucleotide variant.
Coding change: c.689T>C on transcript NM_033026.6 (MANE Select); coding-DNA position 689, T replaced by C.
Protein change: p.Leu230Pro; replaces leucine 230 with proline.
Molecular consequence: missense variant.
Genome position (GRCh38, 1-based): chr7:83,155,952, A>G on the plus strand (T>C on the coding strand, the complement: PCLO is on the minus strand). VCF-style: chr7-83155952-A-G. GRCh37 (hg19) VCF-style: chr7-82785268-A-G.
Other names: c.689T>C, p.Leu230Pro (NM_014510.3); short protein forms L230P.
Identifiers: ClinVar variation 1905319 (VCV001905319.5), dbSNP rs760923494, ClinGen allele CA4321620.